The following is an entry in ClinVar:

NM_000059.4(BRCA2):c.6839dup (p.Glu2282fs)

Gene: BRCA2 (BRCA2 DNA repair associated; plus strand). Cytogenetic location: 13q13.1.
Variant type: Duplication.
Coding change: c.6839dup on transcript NM_000059.4 (MANE Select); coding-DNA position 6839, one base duplicated (T; older notation c.6839dupT).
Protein change: p.Glu2282fs; shifts the reading frame from glutamic acid 2282.
Molecular consequence: frameshift variant.
Genome position (GRCh38, 1-based): chr13:32,341,194, T duplicated. VCF-style (leftmost placement, unchanged base first): chr13-32341193-G-GT. GRCh37 (hg19) VCF-style: chr13-32915330-G-GT.
Other names: short protein forms E2282fs.
Identifiers: ClinVar variation 1454944 (VCV001454944.6), dbSNP rs2137531082, ClinGen allele CA2573149198.

ClinVar aggregate classification (germline): Pathogenic (1 of 4 stars; one submission).

Conditions:
Hereditary breast ovarian cancer syndrome. Also called: Hereditary breast and ovarian cancer; Hereditary breast and ovarian cancer syndrome (HBOC); Breast and ovarian cancer; Hereditary breast and ovarian cancer syndrome; Hereditary breast and/or ovarian cancer syndrome; BRCA1- and BRCA2-Associated Hereditary Breast and Ovarian Cancer. Identifiers: Orphanet 145, MedGen C0677776, MeSH D061325, MONDO:0003582. Disease mechanism: loss of function.

Submission:

Labcorp Genetics (formerly Invitae), Labcorp
Classification: Pathogenic for Hereditary breast ovarian cancer syndrome. Last evaluated: 2021-04-09. Review status: criteria provided, single submitter. Criteria: Invitae Variant Classification Sherloc (09022015). Collection method: clinical testing. Allele origin: germline.
Comment: For these reasons, this variant has been classified as Pathogenic. This variant has not been reported in the literature in individuals with BRCA2-related conditions. This variant is not present in population databases (ExAC no frequency). This sequence change creates a premature translational stop signal (p.Glu2282Argfs*11) in the BRCA2 gene. It is expected to result in an absent or disrupted protein product. Loss-of-function variants in BRCA2 are known to be pathogenic (PMID: 20104584).

Literature cited by the submitters: PubMed 20104584.